The following is an entry in ClinVar:

ClinVar aggregate classification (germline): Likely benign (1 of 4 stars; one submission).

Allele frequency attached by ClinVar (database versions not stated): gnomAD 0.00718 and 0.00772; 1000 Genomes Project 0.00819; TOPMed 0.00829; 1000 Genomes Project 30x 0.00953.
gnomAD v4.1: 1,079 of 152,232 alleles (0.71%); highest among the groups gnomAD compares: African/African-American, 2.3%; 11 homozygotes.

Submission:

GeneDx
Classification: Likely benign. Last evaluated: 2018-06-14. Review status: criteria provided, single submitter. Criteria: GeneDx Variant Classification (06012015). Collection method: clinical testing. Allele origin: germline. Affected: yes.
Comment: This variant is considered likely benign or benign based on one or more of the following criteria: it is a conservative change, it occurs at a poorly conserved position in the protein, it is predicted to be benign by multiple in silico algorithms, and/or has population frequency not consistent with disease.

NM_001035.3(RYR2):c.4684-215G>A

Gene: RYR2 (ryanodine receptor 2; plus strand). Cytogenetic location: 1q43.
Variant type: single nucleotide variant.
Coding change: c.4684-215G>A on transcript NM_001035.3 (MANE Select); 215 bases into the intron before coding-DNA position 4684, G replaced by A.
Molecular consequence: intron variant.
Genome position (GRCh38, 1-based): chr1:237,610,547, G>A. VCF-style: chr1-237610547-G-A. GRCh37 (hg19) VCF-style: chr1-237773847-G-A.
Identifiers: ClinVar variation 673822 (VCV000673822.1), dbSNP rs142935634, ClinGen allele CA39824541.